The following is an entry in ClinVar:

NM_000098.3(CPT2):c.1202G>T (p.Ser401Ile)

Gene: CPT2 (carnitine palmitoyltransferase 2; plus strand). Cytogenetic location: 1p32.3.
Variant type: single nucleotide variant.
Coding change: c.1202G>T on transcript NM_000098.3 (MANE Select); coding-DNA position 1202, G replaced by T.
Protein change: p.Ser401Ile; replaces serine 401 with isoleucine.
Molecular consequence: missense variant.
Genome position (GRCh38, 1-based): chr1:53,210,876, G>T. VCF-style: chr1-53210876-G-T. GRCh37 (hg19) VCF-style: chr1-53676548-G-T.
Other names: c.1202G>T, p.Ser401Ile (NM_001330589.2); short protein forms S401I.
Identifiers: ClinVar variation 876920 (VCV000876920.15), dbSNP rs146670074, ClinGen allele CA859143.

ClinVar aggregate classification (germline): Conflicting classifications of pathogenicity. Review status: criteria provided, conflicting classifications (1 of 4 stars). 4 submissions from 4 submitters: Uncertain significance (2); Likely benign (2). Last evaluated 2026-08-05.

Conditions:
CPT2-related disorder. Also called: CPT2-related condition.
Carnitine palmitoyltransferase II deficiency. Also called: Carnitine Palmitoyltransferase 2 Deficiency. Identifiers: Orphanet 157, MedGen C0342790, MONDO:0015515.

Allele frequency attached by ClinVar (database versions not stated): gnomAD exomes 0.00005 and 0.00010; gnomAD 0.00007; ExAC 0.00008; TOPMed 0.00011; ESP Exome Variant Server 0.00015.
gnomAD v4.1: 86 of 1,614,052 alleles (0.0053%); highest among the groups gnomAD compares: Non-Finnish European, 0.0014%; no homozygotes.

Submissions (4):

PreventionGenetics, part of Exact Sciences
Classification: Likely benign for CPT2-related condition. Last evaluated: 2026-08-05. Review status: criteria provided, single submitter. Criteria: ACMG Guidelines, 2015. Collection method: clinical testing. Allele origin: germline.
Comment: This variant is classified as likely benign based on ACMG/AMP sequence variant interpretation guidelines (Richards et al. 2015 PMID: 25741868, with internal and published modifications).

Labcorp Genetics (formerly Invitae), Labcorp
Classification: Likely benign for Carnitine palmitoyltransferase II deficiency. Last evaluated: 2026-01-20. Review status: criteria provided, single submitter. Criteria: Invitae Variant Classification Sherloc (09022015). Collection method: clinical testing. Allele origin: germline.

Blueprint Genetics
Classification: Uncertain significance. Last evaluated: 2024-02-14. Review status: criteria provided, single submitter. Criteria: ACMG Guidelines, 2015. Collection method: clinical testing. Allele origin: germline.

Illumina Laboratory Services, Illumina
Classification: Uncertain significance for Carnitine palmitoyltransferase II deficiency. Last evaluated: 2018-01-12. Review status: criteria provided, single submitter. Criteria: ICSL Variant Classification Criteria 13 December 2019. Collection method: clinical testing. Allele origin: germline.